The following is an entry in ClinVar:

ClinVar aggregate classification (germline): Uncertain significance (1 of 4 stars; one submission).

Conditions:
Fanconi anemia complementation group Q. Identifiers: Orphanet 84, MedGen C3808988, MONDO:0014108, OMIM 615272.
Xeroderma pigmentosum, group F (XPF). Also called: XERODERMA PIGMENTOSUM, COMPLEMENTATION GROUP F; ERCC4-Related Xeroderma Pigmentosum; XERODERMA PIGMENTOSUM VI; XP, GROUP F; XERODERMA PIGMENTOSUM, TYPE F; Xeroderma pigmentosum, type 6. Identifiers: MedGen C0268140, MONDO:0010215, OMIM 278760.
Cockayne syndrome. Identifiers: Orphanet 191, MedGen C0009207, MONDO:0016006.

Allele frequency attached by ClinVar (database versions not stated): gnomAD exomes 0.00003; ExAC 0.00004; gnomAD 0.00005; TOPMed 0.00005.
gnomAD v4.1: 57 of 1,614,072 alleles (0.0035%); highest among the groups gnomAD compares: Non-Finnish European, 0.0046%; no homozygotes.

Submission:

Labcorp Genetics (formerly Invitae), Labcorp
Classification: Uncertain significance for Fanconi anemia complementation group Q; Xeroderma pigmentosum, group F; Cockayne syndrome. Last evaluated: 2024-12-22. Review status: criteria provided, single submitter. Criteria: Invitae Variant Classification Sherloc (09022015). Collection method: clinical testing. Allele origin: germline.
Comment: This sequence change replaces glutamine, which is neutral and polar, with leucine, which is neutral and non-polar, at codon 849 of the ERCC4 protein (p.Gln849Leu). This variant is present in population databases (rs750999717, gnomAD 0.006%). This variant has not been reported in the literature in individuals affected with ERCC4-related conditions. ClinVar contains an entry for this variant (Variation ID: 943396). Invitae Evidence Modeling of protein sequence and biophysical properties (such as structural, functional, and spatial information, amino acid conservation, physicochemical variation, residue mobility, and thermodynamic stability) indicates that this missense variant is not expected to disrupt ERCC4 protein function with a negative predictive value of 80%. In summary, the available evidence is currently insufficient to determine the role of this variant in disease. Therefore, it has been classified as a Variant of Uncertain Significance.

NM_005236.3(ERCC4):c.2546A>T (p.Gln849Leu)

Gene: ERCC4 (ERCC excision repair 4, endonuclease catalytic subunit; plus strand). Cytogenetic location: 16p13.12.
Variant type: single nucleotide variant.
Coding change: c.2546A>T on transcript NM_005236.3 (MANE Select); coding-DNA position 2546, A replaced by T.
Protein change: p.Gln849Leu; replaces glutamine 849 with leucine.
Molecular consequence: missense variant.
Genome position (GRCh38, 1-based): chr16:13,948,142, A>T. VCF-style: chr16-13948142-A-T. GRCh37 (hg19) VCF-style: chr16-14041999-A-T.
Other names: short protein forms Q849L.
Identifiers: ClinVar variation 943396 (VCV000943396.8), dbSNP rs750999717, ClinGen allele CA7910766.